The following is an entry in ClinVar:

NM_021020.5(LZTS1):c.1238T>C (p.Leu413Pro)

Gene: LZTS1 (leucine zipper tumor suppressor 1; minus strand). Cytogenetic location: 8p21.3.
Variant type: single nucleotide variant.
Coding change: c.1238T>C on transcript NM_021020.5 (MANE Select); coding-DNA position 1238, T replaced by C.
Protein change: p.Leu413Pro; replaces leucine 413 with proline.
Molecular consequence: missense variant.
Genome position (GRCh38, 1-based): chr8:20,250,275, A>G on the plus strand (T>C on the coding strand, the complement: LZTS1 is on the minus strand). VCF-style: chr8-20250275-A-G. GRCh37 (hg19) VCF-style: chr8-20107786-A-G.
Other names: c.1238T>C, p.Leu413Pro (NM_001362884.2); short protein forms L413P.
Identifiers: ClinVar variation 2466166 (VCV002466166.5), dbSNP rs766101595, ClinGen allele CA4657321.

ClinVar aggregate classification (germline): Uncertain significance. Review status: criteria provided, multiple submitters, no conflicts (2 of 4 stars). 2 submissions from 2 submitters: Uncertain significance (2). Last evaluated 2025-02-06.

Allele frequency attached by ClinVar (database versions not stated): gnomAD 0.00001; gnomAD exomes 0.00003; ExAC 0.00001; TOPMed 0.00002.
gnomAD v4.1: 53 of 1,613,726 alleles (0.0033%); highest among the groups gnomAD compares: Non-Finnish European, 0.0043%; no homozygotes.

Submissions (2):

Labcorp Genetics (formerly Invitae), Labcorp
Classification: Uncertain significance. Last evaluated: 2025-02-06. Review status: criteria provided, single submitter. Criteria: Invitae Variant Classification Sherloc (09022015). Collection method: clinical testing. Allele origin: germline.
Comment: This sequence change replaces leucine, which is neutral and non-polar, with proline, which is neutral and non-polar, at codon 413 of the LZTS1 protein (p.Leu413Pro). This variant is present in population databases (rs766101595, gnomAD 0.002%). This variant has not been reported in the literature in individuals affected with LZTS1-related conditions. ClinVar contains an entry for this variant (Variation ID: 2466166). Invitae Evidence Modeling of protein sequence and biophysical properties (such as structural, functional, and spatial information, amino acid conservation, physicochemical variation, residue mobility, and thermodynamic stability) indicates that this missense variant is expected to disrupt LZTS1 protein function with a positive predictive value of 80%. In summary, the available evidence is currently insufficient to determine the role of this variant in disease. Therefore, it has been classified as a Variant of Uncertain Significance.

Ambry Genetics
Classification: Uncertain significance. Last evaluated: 2023-01-26. Review status: criteria provided, single submitter. Criteria: Ambry Variant Classification Scheme 2023. Collection method: clinical testing. Allele origin: germline.